The following is an entry in ClinVar:

NM_001084.5(PLOD3):c.460T>G (p.Tyr154Asp)

Gene: PLOD3 (procollagen-lysine,2-oxoglutarate 5-dioxygenase 3; minus strand). Cytogenetic location: 7q22.1.
Variant type: single nucleotide variant.
Coding change: c.460T>G on transcript NM_001084.5 (MANE Select); coding-DNA position 460, T replaced by G.
Protein change: p.Tyr154Asp; replaces tyrosine 154 with aspartic acid.
Molecular consequence: missense variant.
Genome position (GRCh38, 1-based): chr7:101,216,205, A>C on the plus strand (T>G on the coding strand, the complement: PLOD3 is on the minus strand). VCF-style: chr7-101216205-A-C. GRCh37 (hg19) VCF-style: chr7-100859486-A-C.
Other names: short protein forms Y154D.
Identifiers: ClinVar variation 3215358 (VCV003215358.2), dbSNP rs1363526540, ClinGen allele CA368625215.

ClinVar aggregate classification (germline): Uncertain significance. Review status: criteria provided, multiple submitters, no conflicts (2 of 4 stars). 2 submissions from 2 submitters: Uncertain significance (2). Last evaluated 2024-04-15.

Conditions:
Inborn genetic diseases. Identifiers: MedGen C0950123, MeSH D030342.

Allele frequency attached by ClinVar (database versions not stated): gnomAD exomes 0.00001; TOPMed 0.00001.
gnomAD v4.1: 3 of 1,613,944 alleles (0.00019%); highest among the groups gnomAD compares: Non-Finnish European, 0.00025%; no homozygotes.

Submissions (2):

Labcorp Genetics (formerly Invitae), Labcorp
Classification: Uncertain significance. Last evaluated: 2024-04-15. Review status: criteria provided, single submitter. Criteria: Invitae Variant Classification Sherloc (09022015). Collection method: clinical testing. Allele origin: germline.
Comment: This sequence change replaces tyrosine, which is neutral and polar, with aspartic acid, which is acidic and polar, at codon 154 of the PLOD3 protein (p.Tyr154Asp). This variant is not present in population databases (gnomAD no frequency). This variant has not been reported in the literature in individuals affected with PLOD3-related conditions. An algorithm developed to predict the effect of missense changes on protein structure and function (PolyPhen-2) suggests that this variant is likely to be disruptive. In summary, the available evidence is currently insufficient to determine the role of this variant in disease. Therefore, it has been classified as a Variant of Uncertain Significance.

Ambry Genetics
Classification: Uncertain significance for Inborn genetic diseases. Last evaluated: 2024-01-03. Review status: criteria provided, single submitter. Criteria: Ambry Variant Classification Scheme 2023. Collection method: clinical testing. Allele origin: germline.